The following is an entry in ClinVar:

NM_002691.4(POLD1):c.1686+5G>A

Gene: POLD1 (DNA polymerase delta 1, catalytic subunit; plus strand). Cytogenetic location: 19q13.33.
Variant type: single nucleotide variant.
Coding change: c.1686+5G>A on transcript NM_002691.4 (MANE Select); 5 bases into the intron after coding-DNA position 1686, G replaced by A.
Molecular consequence: intron variant.
Genome position (GRCh38, 1-based): chr19:50,407,179, G>A. VCF-style: chr19-50407179-G-A. GRCh37 (hg19) VCF-style: chr19-50910436-G-A.
Other names: c.1686+5G>A (NM_001256849.1, NM_001438212.1, NM_001438213.1 and 3 more transcripts).
Identifiers: ClinVar variation 4809995 (VCV004809995.1).

ClinVar aggregate classification (germline): Uncertain significance (1 of 4 stars; one submission).

Conditions:
POLD1-related polyposis and colorectal cancer syndrome (CRCS10). Also called: COLORECTAL CANCER, SUSCEPTIBILITY TO, ON CHROMOSOME 19q; Colorectal cancer 10; Colorectal cancer, susceptibility to, 10. Identifiers: Orphanet 220460, MedGen C2675481, MONDO:0012953, OMIM 612591.

Submission:

Labcorp Genetics (formerly Invitae), Labcorp
Classification: Uncertain significance for POLD1-related polyposis and colorectal cancer syndrome. Last evaluated: 2025-11-10. Review status: criteria provided, single submitter. Criteria: Invitae Variant Classification Sherloc (09022015). Collection method: clinical testing. Allele origin: germline.
Comment: This sequence change falls in intron 13 of the POLD1 gene. It does not directly change the encoded amino acid sequence of the POLD1 protein. It affects a nucleotide within the consensus splice site. This variant is not present in population databases (gnomAD no frequency). This variant has not been reported in the literature in individuals affected with POLD1-related conditions. Variants that disrupt the consensus splice site are a relatively common cause of aberrant splicing (PMID: 17576681, 9536098). Algorithms developed to predict the effect of sequence changes on RNA splicing suggest that this variant may disrupt the consensus splice site. In summary, the available evidence is currently insufficient to determine the role of this variant in disease. Therefore, it has been classified as a Variant of Uncertain Significance.

Literature cited by the submitters: PubMed 17576681; PubMed 9536098.